The following is an entry in ClinVar:

ClinVar aggregate classification (germline): Benign/Likely benign. Review status: criteria provided, multiple submitters, no conflicts (2 of 4 stars). 13 submissions from 12 submitters: Benign (11); Likely benign (1). 1 of the submissions does not count toward it. Last evaluated 2026-02-01.

Conditions:
Connective tissue disorder. Also called: Connective tissue disease. Identifiers: MedGen C0009782, MONDO:0003900.
Jeune thoracic dystrophy. Also called: Short-rib thoracic dysplasia; Jeune syndrome; Infantile thoracic dystrophy; Thoracic pelvic phalangeal dystrophy; Jeune's syndrome; Chondroectodermal dysplasia-like syndrome. Identifiers: Orphanet 474, MedGen C0265275, MONDO:0018770.
Nephronophthisis. Also called: Juvenile Nephronophthisis. Identifiers: Orphanet 655, MedGen C0687120, MONDO:0019005, HP:0000090.
Nephronophthisis 12 (NPHP12). Identifiers: Orphanet 655, MedGen C3151186, MONDO:0013442, OMIM 613820.
Asphyxiating thoracic dystrophy 4 (SRTD4). Also called: SHORT-RIB THORACIC DYSPLASIA 4 WITH OR WITHOUT POLYDACTYLY; SHORT-RIB THORACIC DYSPLASIA 4. Identifiers: Orphanet 474, MedGen C3151185, MONDO:0013441, OMIM 613819.

Allele frequency attached by ClinVar (database versions not stated): 1000 Genomes Project 0.01098; 1000 Genomes Project 30x 0.01249; gnomAD 0.01326 and 0.01408; ESP Exome Variant Server 0.01476; TOPMed 0.01499.
gnomAD v4.1: 3,868 of 1,613,066 alleles (0.24%); highest among the groups gnomAD compares: African/African-American, 4.7%; 93 homozygotes.

Submissions (13):

Labcorp Genetics (formerly Invitae), Labcorp
Classification: Benign for Jeune thoracic dystrophy; Nephronophthisis. Last evaluated: 2026-02-01. Review status: criteria provided, single submitter. Criteria: Invitae Variant Classification Sherloc (09022015). Collection method: clinical testing. Allele origin: germline.

ARUP Laboratories, Molecular Genetics and Genomics, ARUP Laboratories
Classification: Benign. Last evaluated: 2025-06-11. Review status: criteria provided, single submitter. Criteria: ARUP Molecular Germline Variant Investigation Process 2024. Collection method: clinical testing. Allele origin: germline.

Blueprint Genetics
Classification: Likely benign. Last evaluated: 2024-10-23. Review status: criteria provided, single submitter. Criteria: ACMG Guidelines, 2015. Collection method: clinical testing. Allele origin: germline.

CeGaT Center for Human Genetics Tuebingen
Classification: Benign. Last evaluated: 2023-12-01. Review status: criteria provided, single submitter. Criteria: CeGaT Center For Human Genetics Tuebingen Variant Classification Criteria Version 2. Collection method: clinical testing. Allele origin: germline. Affected: yes. Observed: 1 variant allele.
Comment: TTC21B: BP4, BS1, BS2

Mayo Clinic Laboratories, Mayo Clinic
Classification: Benign. Last evaluated: 2022-11-18. Review status: criteria provided, single submitter. Criteria: ACMG Guidelines, 2015. Collection method: clinical testing. Allele origin: germline. Observed: 6 variant alleles.
Comment: BS1, BS2

Genome Diagnostics Laboratory, The Hospital for Sick Children
Classification: Benign for Connective tissue disorder. Last evaluated: 2019-05-01. Review status: criteria provided, single submitter. Criteria: ACMG Guidelines, 2015. Collection method: clinical testing. Allele origin: germline.

Illumina Laboratory Services, Illumina
Classification: Benign for Nephronophthisis 12. Last evaluated: 2018-01-13. Review status: criteria provided, single submitter. Criteria: ICSL Variant Classification Criteria 13 December 2019. Collection method: clinical testing. Allele origin: germline.
Comment: This variant was observed in the ICSL laboratory as part of a predisposition screen in an ostensibly healthy population. It had not been previously curated by ICSL or reported in the Human Gene Mutation Database (HGMD: prior to June 1st, 2018), and was therefore a candidate for classification through an automated scoring system. Utilizing variant allele frequency, disease prevalence and penetrance estimates, and inheritance mode, an automated score was calculated to assess if this variant is too frequent to cause the disease. Based on the score and internal cut-off values, a variant classified as benign is not then subjected to further curation. The score for this variant resulted in a classification of benign for this disease.

Illumina Laboratory Services, Illumina
Classification: Benign for Asphyxiating thoracic dystrophy 4. Last evaluated: 2018-01-13. Review status: criteria provided, single submitter. Criteria: ICSL Variant Classification Criteria 13 December 2019. Collection method: clinical testing. Allele origin: germline.
Comment: the same text as in the submission from Illumina Laboratory Services, Illumina above.

Center for Pediatric Genomic Medicine, Children's Mercy Hospital and Clinics
Classification: Benign. Last evaluated: 2017-01-05. Review status: criteria provided, single submitter. Criteria: ACMG Guidelines, 2015. Collection method: clinical testing. Allele origin: germline.

GeneDx
Classification: Benign. Last evaluated: 2016-08-08. Review status: criteria provided, single submitter. Criteria: GeneDx Variant Classification (06012015). Collection method: clinical testing. Allele origin: germline. Affected: yes.
Comment: This variant is considered likely benign or benign based on one or more of the following criteria: it is a conservative change, it occurs at a poorly conserved position in the protein, it is predicted to be benign by multiple in silico algorithms, and/or has population frequency not consistent with disease.

Breakthrough Genomics
Classification: Benign. Review status: criteria provided, single submitter. Criteria: ACMG Guidelines, 2015. Collection method: not provided. Allele origin: germline. Inheritance: Autosomal recessive inheritance. Affected: yes.

PreventionGenetics, part of Exact Sciences
Classification: Benign. Review status: criteria provided, single submitter. Criteria: ACMG Guidelines, 2015. Collection method: clinical testing. Allele origin: germline.

Genetic Services Laboratory, University of Chicago
Classification: Likely benign for AllHighlyPenetrant. Review status: no assertion criteria provided. Collection method: clinical testing. Allele origin: germline. Inheritance: Autosomal recessive inheritance. Not counted in ClinVar's aggregate classification.
Comment: Likely benign based on allele frequency in 1000 Genomes Project or ESP global frequency and its presence in a patient with a rare or unrelated disease phenotype. NOT Sanger confirmed.

NM_024753.5(TTC21B):c.1387C>T (p.Pro463Ser)

Gene: TTC21B (tetratricopeptide repeat domain 21B; minus strand). Cytogenetic location: 2q24.3.
Variant type: single nucleotide variant.
Coding change: c.1387C>T on transcript NM_024753.5 (MANE Select); coding-DNA position 1387, C replaced by T.
Protein change: p.Pro463Ser; replaces proline 463 with serine.
Molecular consequence: missense variant.
Genome position (GRCh38, 1-based): chr2:165,924,678, G>A on the plus strand (C>T on the coding strand, the complement: TTC21B is on the minus strand). VCF-style: chr2-165924678-G-A. GRCh37 (hg19) VCF-style: chr2-166781188-G-A.
Other names: short protein forms P463S.
Identifiers: ClinVar variation 130649 (VCV000130649.58), dbSNP rs16851307, ClinGen allele CA155842.